The following is an entry in ClinVar:

NM_006831.3(CLP1):c.823C>T (p.Arg275Cys)

Gene: CLP1 (cleavage factor polyribonucleotide kinase subunit 1; plus strand). Cytogenetic location: 11q12.1.
Variant type: single nucleotide variant.
Coding change: c.823C>T on transcript NM_006831.3 (MANE Select); coding-DNA position 823, C replaced by T.
Protein change: p.Arg275Cys; replaces arginine 275 with cysteine.
Molecular consequence: missense variant.
Genome position (GRCh38, 1-based): chr11:57,660,981, C>T. VCF-style: chr11-57660981-C-T. GRCh37 (hg19) VCF-style: chr11-57428453-C-T.
Other names: c.631C>T, p.Arg211Cys (NM_001142597.2); short protein forms R275C, R211C.
Identifiers: ClinVar variation 2886597 (VCV002886597.3), dbSNP rs539245351, ClinGen allele CA6008588.

ClinVar aggregate classification (germline): Uncertain significance (1 of 4 stars; one submission).

Allele frequency attached by ClinVar (database versions not stated): gnomAD exomes 0.00001; ExAC 0.00003; TOPMed 0.00003; gnomAD 0.00004; 1000 Genomes Project 30x 0.00031; 1000 Genomes Project 0.00040.
gnomAD v4.1: 23 of 1,614,208 alleles (0.0014%); highest among the groups gnomAD compares: South Asian, 0.0088%; no homozygotes.

Submission:

Labcorp Genetics (formerly Invitae), Labcorp
Classification: Uncertain significance. Last evaluated: 2023-02-08. Review status: criteria provided, single submitter. Criteria: Invitae Variant Classification Sherloc (09022015). Collection method: clinical testing. Allele origin: germline.
Comment: In summary, the available evidence is currently insufficient to determine the role of this variant in disease. Therefore, it has been classified as a Variant of Uncertain Significance. Advanced modeling of protein sequence and biophysical properties (such as structural, functional, and spatial information, amino acid conservation, physicochemical variation, residue mobility, and thermodynamic stability) performed at Invitae indicates that this missense variant is not expected to disrupt CLP1 protein function. This variant has not been reported in the literature in individuals affected with CLP1-related conditions. This variant is present in population databases (rs539245351, gnomAD 0.02%). This sequence change replaces arginine, which is basic and polar, with cysteine, which is neutral and slightly polar, at codon 275 of the CLP1 protein (p.Arg275Cys).